The following is an entry in ClinVar:

ClinVar aggregate classification (germline): Uncertain significance (1 of 4 stars; one submission).

Conditions:
Inborn genetic diseases. Identifiers: MedGen C0950123, MeSH D030342.

Submission:

Ambry Genetics
Classification: Uncertain significance for Inborn genetic diseases. Last evaluated: 2021-09-26. Review status: criteria provided, single submitter. Criteria: Ambry Variant Classification Scheme 2023. Collection method: clinical testing. Allele origin: germline.
Comment: The p.S218P variant (also known as c.652T>C), located in coding exon 2 of the LTBP3 gene, results from a T to C substitution at nucleotide position 652. The serine at codon 218 is replaced by proline, an amino acid with similar properties. This amino acid position is conserved. In addition, the in silico prediction for this alteration is inconclusive. Since supporting evidence is limited at this time, the clinical significance of this alteration remains unclear.

NM_001130144.3(LTBP3):c.652T>C (p.Ser218Pro)

Gene: LTBP3 (latent transforming growth factor beta binding protein 3; minus strand). Cytogenetic location: 11q13.1.
Variant type: single nucleotide variant.
Coding change: c.652T>C on transcript NM_001130144.3 (MANE Select); coding-DNA position 652, T replaced by C.
Protein change: p.Ser218Pro; replaces serine 218 with proline.
Molecular consequence: missense variant.
Genome position (GRCh38, 1-based): chr11:65,554,060, A>G on the plus strand (T>C on the coding strand, the complement: LTBP3 is on the minus strand). VCF-style: chr11-65554060-A-G. GRCh37 (hg19) VCF-style: chr11-65321531-A-G.
Other names: c.301T>C, p.Ser101Pro (NM_001164266.1); c.652T>C, p.Ser218Pro (NM_021070.4); short protein forms S218P, S101P.
Identifiers: ClinVar variation 1754076 (VCV001754076.2), dbSNP rs2496177364, ClinGen allele CA381276191.